The following is an entry in ClinVar:

ClinVar aggregate classification (germline): Pathogenic (1 of 4 stars; one submission).

Conditions:
Charcot-Marie-Tooth disease, type I (CMT1). Also called: Charcot-Marie-Tooth, Type 1; Charcot-Marie-Tooth disease type 1. Identifiers: Orphanet 65753, MedGen C0751036, MONDO:0019011.

Submission:

Labcorp Genetics (formerly Invitae), Labcorp
Classification: Pathogenic for Charcot-Marie-Tooth disease, type I. Last evaluated: 2023-09-12. Review status: criteria provided, single submitter. Criteria: Invitae Variant Classification Sherloc (09022015). Collection method: clinical testing. Allele origin: germline.
Comment: This variant is not present in population databases (gnomAD no frequency). This variant has not been reported in the literature in individuals affected with MPZ-related conditions. This variant disrupts a region of the MPZ protein in which other variant(s) (p.Lys236del) have been determined to be pathogenic (PMID: 12207932, 15716547, 29687021, 31173589). This suggests that this is a clinically significant region of the protein, and that variants that disrupt it are likely to be disease-causing. For these reasons, this variant has been classified as Pathogenic. This sequence change creates a premature translational stop signal (p.Val178Glyfs*56) in the MPZ gene. While this is not anticipated to result in nonsense mediated decay, it is expected to disrupt the last 71 amino acid(s) of the MPZ protein.

Literature cited by the submitters: PubMed 12207932; PubMed 15716547; PubMed 29687021; PubMed 31173589.

NM_000530.8(MPZ):c.533_534del (p.Val178fs)

Gene: MPZ (myelin protein zero; minus strand). Cytogenetic location: 1q23.3.
Variant type: Deletion.
Coding change: c.533_534del on transcript NM_000530.8 (MANE Select); coding-DNA positions 533 to 534, 2 bases deleted (TG; older notation c.533_534delTG).
Protein change: p.Val178fs; shifts the reading frame from valine 178.
Molecular consequence: frameshift variant.
Genome position (GRCh38, 1-based): chr1:161,306,379-161,306,380, CA deleted on the plus strand (TG on the coding strand, the reverse complement: MPZ is on the minus strand); deleting any 2 consecutive bases within chr1:161,306,379-161,306,381 gives the same sequence; the c. name uses the placement nearest the transcript's 3' end. VCF-style (leftmost placement, unchanged base first): chr1-161306378-CCA-C. GRCh37 (hg19) VCF-style: chr1-161276168-CCA-C.
Other names: c.533_534del, p.Val178fs (NM_001315491.2); short protein forms V178fs.
Identifiers: ClinVar variation 2983439 (VCV002983439.3), dbSNP rs2526235908, ClinGen allele CA2740090273.
Genomic context (GRCh38, chr1:161,306,378, plus strand): 5'-CCGCCCCTTACCTGAGCCTCCTCTGCAGGGCCGCCTGCCTGCGTAGCCAGCAGTACCGAA[CCA>C]CGTAGAAAAGCAGCAGCAGCAACAGCACCACCCCGAGGACACCCCCGATCACAGCTCCCA-3'